The following is an entry in ClinVar:

ClinVar aggregate classification (germline): Conflicting classifications of pathogenicity. Review status: criteria provided, conflicting classifications (1 of 4 stars). 2 submissions from 2 submitters: Uncertain significance (1); Likely benign (1). Last evaluated 2024-10-03.

Conditions:
Cardiovascular phenotype. Identifiers: MedGen CN230736.
Long QT syndrome (LQTS). Identifiers: MedGen C0023976, MeSH D008133, MONDO:0002442. Disease mechanism: loss of function. Inheritance: Various modes of inheritance.

Allele frequency attached by ClinVar (database versions not stated): gnomAD exomes below 0.00001; TOPMed 0.00001.
gnomAD v4.1: 1 of 1,614,128 alleles (0.000062%); highest among the groups gnomAD compares: Non-Finnish European, 0.000085%; no homozygotes.

Submissions (2):

Ambry Genetics
Classification: Likely benign for Cardiovascular phenotype. Last evaluated: 2024-10-03. Review status: criteria provided, single submitter. Criteria: Ambry Variant Classification Scheme 2023. Collection method: clinical testing. Allele origin: germline.

Labcorp Genetics (formerly Invitae), Labcorp
Classification: Uncertain significance for Long QT syndrome. Last evaluated: 2020-10-12. Review status: criteria provided, single submitter. Criteria: Invitae Variant Classification Sherloc (09022015). Collection method: clinical testing. Allele origin: germline.
Comment: This variant is not present in population databases (ExAC no frequency). This sequence change replaces glutamic acid with lysine at codon 2371 of the ANK2 protein (p.Glu2371Lys). The glutamic acid residue is weakly conserved and there is a small physicochemical difference between glutamic acid and lysine. This variant has not been reported in the literature in individuals with ANK2-related conditions. Algorithms developed to predict the effect of missense changes on protein structure and function output the following: SIFT: "Tolerated"; PolyPhen-2: "Benign"; Align-GVGD: "Class C0". The lysine amino acid residue is found in multiple mammalian species, suggesting that this missense change does not adversely affect protein function. These predictions have not been confirmed by published functional studies and their clinical significance is uncertain. In summary, the available evidence is currently insufficient to determine the role of this variant in disease. Therefore, it has been classified as a Variant of Uncertain Significance.

NM_001148.6(ANK2):c.7111G>A (p.Glu2371Lys)

Genes: ANK2 (ankyrin 2; plus strand), LOC126807137 (CDK7 strongly-dependent group 2 enhancer GRCh37_chr4:114276560-114277759; plus strand). Cytogenetic location: 4q26.
Variant type: single nucleotide variant.
Coding change: c.7111G>A on transcript NM_001148.6 (MANE Select); coding-DNA position 7111, G replaced by A.
Protein change: p.Glu2371Lys; replaces glutamic acid 2371 with lysine.
Molecular consequence: missense variant. On other transcripts: intron variant (68).
Genome position (GRCh38, 1-based): chr4:113,355,729, G>A. VCF-style: chr4-113355729-G-A. GRCh37 (hg19) VCF-style: chr4-114276885-G-A.
Other names: c.7111G>A (NM_001148.4); c.6877G>A, p.Glu2293Lys (NM_001386142.1); c.3511G>A, p.Glu1171Lys (NM_001386166.1); c.7252G>A, p.Glu2418Lys (NM_001386174.1); c.7228G>A, p.Glu2410Lys (NM_001386175.1); c.4412-5094G>A (NM_001386186.2, NM_001386148.2); c.4214-5094G>A (NM_001354269.3); c.4292-5094G>A (NM_001386187.2); and 36 more; short protein forms E1171K, E2293K, E2371K, E2410K, E2418K.
Identifiers: ClinVar variation 1007761 (VCV001007761.6), dbSNP rs1033059668, ClinGen allele CA103814931.